The following is an entry in ClinVar:

NM_000090.4(COL3A1):c.582+1G>A

Gene: COL3A1 (collagen type III alpha 1 chain; plus strand). Cytogenetic location: 2q32.2.
Variant type: single nucleotide variant.
Coding change: c.582+1G>A on transcript NM_000090.4 (MANE Select); the canonical splice donor site of the intron after coding-DNA position 582, G replaced by A.
Molecular consequence: splice donor variant.
Genome position (GRCh38, 1-based): chr2:188,988,135, G>A. VCF-style: chr2-188988135-G-A. GRCh37 (hg19) VCF-style: chr2-189852861-G-A.
Identifiers: ClinVar variation 4540776 (VCV004540776.1).

ClinVar aggregate classification (germline): Pathogenic (1 of 4 stars; one submission).

Submission:

Mayo Clinic Laboratories, Mayo Clinic
Classification: Pathogenic. Last evaluated: 2025-01-30. Review status: criteria provided, single submitter. Criteria: ACMG Guidelines, 2015. Collection method: clinical testing. Allele origin: germline. Observed: 1 variant allele.
Comment: PP4, PM2_supporting, PS1_supporting, PVS1

Literature cited by the submitters: PubMed 38106362.